The following is an entry in ClinVar:

NM_177438.3(DICER1):c.3971del (p.Lys1324fs)

Gene: DICER1 (dicer 1, ribonuclease III; minus strand). Cytogenetic location: 14q32.13.
Variant type: Deletion.
Coding change: c.3971del on transcript NM_177438.3 (MANE Select); coding-DNA position 3971, one base deleted (A; older notation c.3971delA).
Protein change: p.Lys1324fs; shifts the reading frame from lysine 1324.
Molecular consequence: frameshift variant. On other transcripts: non-coding transcript variant (6).
Genome position (GRCh38, 1-based): chr14:95,103,425, T deleted on the plus strand (A on the coding strand, the reverse complement: DICER1 is on the minus strand); the first of 3 consecutive T bases (chr14:95,103,425-95,103,427); deleting any one gives the same sequence. VCF-style (leftmost placement, unchanged base first): chr14-95103424-CT-C. GRCh37 (hg19) VCF-style: chr14-95569761-CT-C.
Other names: c.3971del, p.Lys1324fs (NM_001395682.1, NM_001395683.1, NM_001395684.1 and 12 more transcripts); c.3689del, p.Lys1230fs (NM_001395686.1); c.3566del, p.Lys1189fs (NM_001395687.1, NM_001395688.1, NM_001395689.1 and 2 more transcripts); c.3404del, p.Lys1135fs (NM_001395691.1); c.2288del, p.Lys763fs (NM_001395697.1); short protein forms K1324fs, K763fs, K1230fs, K1135fs, K1189fs.
Identifiers: ClinVar variation 4730549 (VCV004730549.1).

ClinVar aggregate classification (germline): Pathogenic (1 of 4 stars; one submission).

Conditions:
DICER1-related tumor predisposition. Also called: DICER1-related pleuropulmonary blastoma cancer predisposition syndrome; DICER1 syndrome. Identifiers: Orphanet 284343, MedGen C3839822, MONDO:0100216.

Submission:

Labcorp Genetics (formerly Invitae), Labcorp
Classification: Pathogenic for DICER1-related tumor predisposition. Last evaluated: 2025-11-05. Review status: criteria provided, single submitter. Criteria: Invitae Variant Classification Sherloc (09022015). Collection method: clinical testing. Allele origin: germline.
Comment: This sequence change creates a premature translational stop signal (p.Lys1324Serfs*23) in the DICER1 gene. It is expected to result in an absent or disrupted protein product. Loss-of-function variants in DICER1 are known to be pathogenic (PMID: 19556464, 21266384). This variant is not present in population databases (gnomAD no frequency). This variant has not been reported in the literature in individuals affected with DICER1-related conditions. For these reasons, this variant has been classified as Pathogenic.

Literature cited by the submitters: PubMed 19556464; PubMed 21266384.